The following is an entry in ClinVar:

ClinVar aggregate classification (germline): Uncertain significance (1 of 4 stars; one submission).

Submission:

Labcorp Genetics (formerly Invitae), Labcorp
Classification: Uncertain significance. Last evaluated: 2021-09-15. Review status: criteria provided, single submitter. Criteria: Invitae Variant Classification Sherloc (09022015). Collection method: clinical testing. Allele origin: germline.
Comment: This sequence change replaces tyrosine with aspartic acid at codon 266 of the SLC25A38 protein (p.Tyr266Asp). The tyrosine residue is moderately conserved and there is a large physicochemical difference between tyrosine and aspartic acid. This variant is not present in population databases (ExAC no frequency). This variant has not been reported in the literature in individuals affected with SLC25A38-related conditions. Algorithms developed to predict the effect of missense changes on protein structure and function (SIFT, PolyPhen-2, Align-GVGD) all suggest that this variant is likely to be tolerated. In summary, the available evidence is currently insufficient to determine the role of this variant in disease. Therefore, it has been classified as a Variant of Uncertain Significance.

NM_017875.4(SLC25A38):c.796T>G (p.Tyr266Asp)

Gene: SLC25A38 (solute carrier family 25 member 38; plus strand). Cytogenetic location: 3p22.1.
Variant type: single nucleotide variant.
Coding change: c.796T>G on transcript NM_017875.4 (MANE Select); coding-DNA position 796, T replaced by G.
Protein change: p.Tyr266Asp; replaces tyrosine 266 with aspartic acid.
Molecular consequence: missense variant.
Genome position (GRCh38, 1-based): chr3:39,396,401, T>G. VCF-style: chr3-39396401-T-G. GRCh37 (hg19) VCF-style: chr3-39437892-T-G.
Other names: c.629T>G, p.Leu210Arg (NM_001354798.2); short protein forms L210R, Y266D.
Identifiers: ClinVar variation 1490660 (VCV001490660.6), dbSNP rs770917804, ClinGen allele CA352207030.